The following is an entry in ClinVar:

ClinVar aggregate classification (germline): Pathogenic (1 of 4 stars; one submission).

Conditions:
Mitochondrial complex IV deficiency, nuclear type 21. Also called: Mitochondrial complex 4 deficiency, nuclear type 21. Identifiers: MedGen C5436727, MONDO:0033656, OMIM 619065.

Submission:

3billion
Classification: Pathogenic for Mitochondrial complex IV deficiency, nuclear type 21. Last evaluated: 2025-07-22. Review status: criteria provided, single submitter. Criteria: ACMG Guidelines, 2015. Collection method: clinical testing. Allele origin: germline. Affected: yes.
Comment: The variant is not observed in the gnomAD v4.1.0 dataset. Predicted Consequence/Location: Stop-gained (nonsense): predicted to result in a loss or disruption of normal protein function through nonsense-mediated decay (NMD) or protein truncation. Multiple pathogenic variants are reported downstream of the variant. Therefore, this variant is classified as Pathogenic according to the recommendation of ACMG/AMP guideline.

NM_002489.4(COXFA4):c.82G>T (p.Gly28Ter)

Gene: COXFA4 (cytochrome c oxidase associated subunit FA4; minus strand). Cytogenetic location: 7p21.3.
Variant type: single nucleotide variant.
Coding change: c.82G>T on transcript NM_002489.4 (MANE Select); coding-DNA position 82, G replaced by T.
Protein change: p.Gly28Ter; replaces glycine 28 with a stop codon.
Molecular consequence: nonsense.
Genome position (GRCh38, 1-based): chr7:10,938,857, C>A on the plus strand (G>T on the coding strand, the complement: COXFA4 is on the minus strand). VCF-style: chr7-10938857-C-A. GRCh37 (hg19) VCF-style: chr7-10978484-C-A.
Other names: short protein forms G28*.
Identifiers: ClinVar variation 4855229 (VCV004855229.1).